The following is an entry in ClinVar:

ClinVar aggregate classification (germline): Pathogenic (1 of 4 stars; one submission).

Conditions:
Pheochromocytoma/paraganglioma syndrome 5. Also called: Paragangliomas 5; SDHA-Related Hereditary Paraganglioma-Pheochromocytoma Syndrome. Identifiers: Orphanet 29072, MedGen C3279992, MONDO:0013602, OMIM 614165.
Mitochondrial complex II deficiency, nuclear type 1. Also called: SUCCINATE CoQ REDUCTASE DEFICIENCY. Identifiers: Orphanet 3208, MedGen C5700310, MONDO:0100294, OMIM 252011.

Submission:

Labcorp Genetics (formerly Invitae), Labcorp
Classification: Pathogenic for Pheochromocytoma/paraganglioma syndrome 5; Mitochondrial complex II deficiency, nuclear type 1. Last evaluated: 2020-01-20. Review status: criteria provided, single submitter. Criteria: Invitae Variant Classification Sherloc (09022015). Collection method: clinical testing. Allele origin: germline.
Comment: For these reasons, this variant has been classified as Pathogenic. Loss-of-function variants in SDHA are known to be pathogenic (PMID: 22974104, 24781757). This variant has not been reported in the literature in individuals with SDHA-related conditions. This variant is not present in population databases (ExAC no frequency). This sequence change creates a premature translational stop signal (p.Glu61*) in the SDHA gene. It is expected to result in an absent or disrupted protein product.

Literature cited by the submitters: PubMed 22974104; PubMed 24781757.

NM_004168.4(SDHA):c.181G>T (p.Glu61Ter)

Gene: SDHA (succinate dehydrogenase complex flavoprotein subunit A; plus strand). Cytogenetic location: 5p15.33.
Variant type: single nucleotide variant.
Coding change: c.181G>T on transcript NM_004168.4 (MANE Select); coding-DNA position 181, G replaced by T.
Protein change: p.Glu61Ter; replaces glutamic acid 61 with a stop codon.
Molecular consequence: nonsense.
Genome position (GRCh38, 1-based): chr5:224,390, G>T. VCF-style: chr5-224390-G-T. GRCh37 (hg19) VCF-style: chr5-224505-G-T.
Other names: c.181G>T, p.Glu61Ter (NM_001294332.2, NM_001330758.2); short protein forms E61*.
Identifiers: ClinVar variation 836392 (VCV000836392.8), dbSNP rs1734884330, ClinGen allele CA359008433.
Genomic context (GRCh38, chr5:224,390, plus strand): 5'-GTGATTGACAGGTGAATTTTTCTTTTCCAGATTTCTGCTCAGTATCCAGTAGTGGATCAT[G>T]AATTTGATGCAGTGGTGGTAGGCGCTGGAGGGGCAGGCTTGCGAGCTGCATTTGGCCTTT-3'